The following is an entry in ClinVar:

NM_182643.3(DLC1):c.2356A>G (p.Thr786Ala)

Gene: DLC1 (DLC1 Rho GTPase activating protein; minus strand). Cytogenetic location: 8p22.
Variant type: single nucleotide variant.
Coding change: c.2356A>G on transcript NM_182643.3 (MANE Select); coding-DNA position 2356, A replaced by G.
Protein change: p.Thr786Ala; replaces threonine 786 with alanine.
Molecular consequence: missense variant.
Genome position (GRCh38, 1-based): chr8:13,099,981, T>C on the plus strand (A>G on the coding strand, the complement: DLC1 is on the minus strand). VCF-style: chr8-13099981-T-C. GRCh37 (hg19) VCF-style: chr8-12957490-T-C.
Other names: c.823A>G, p.Thr275Ala (NM_001413133.1, NM_001413138.1, NM_001413126.1 and 6 more transcripts); c.1045A>G, p.Thr349Ala (NM_001413135.1, NM_001413136.1, NM_001413139.1 and 1 more transcripts); c.796A>G, p.Thr266Ala (NM_001413137.1, NM_001413131.1); c.1180A>G, p.Thr394Ala (NM_001413140.1); c.2356A>G, p.Thr786Ala (NM_001413124.1, NM_001348081.2); c.1147A>G, p.Thr383Ala (NM_001413129.1, NM_001316668.2); c.1138A>G, p.Thr380Ala (NM_001413130.1); c.1282A>G, p.Thr428Ala (NM_001413132.1); short protein forms T380A, T266A, T349A, T428A, T275A, T394A, T383A, T786A.
Identifiers: ClinVar variation 3650981 (VCV003650981.2).

ClinVar aggregate classification (germline): Uncertain significance (1 of 4 stars; one submission).

Submission:

Labcorp Genetics (formerly Invitae), Labcorp
Classification: Uncertain significance. Last evaluated: 2025-07-28. Review status: criteria provided, single submitter. Criteria: Invitae Variant Classification Sherloc (09022015). Collection method: clinical testing. Allele origin: germline.
Comment: This sequence change replaces threonine, which is neutral and polar, with alanine, which is neutral and non-polar, at codon 786 of the DLC1 protein (p.Thr786Ala). This variant is not present in population databases (gnomAD no frequency). This variant has not been reported in the literature in individuals affected with DLC1-related conditions. ClinVar contains an entry for this variant (Variation ID: 3650981). An algorithm developed to predict the effect of missense changes on protein structure and function outputs the following: PolyPhen-2: "Benign". The alanine amino acid residue is found in multiple mammalian species, which suggests that this missense change does not adversely affect protein function. In summary, the available evidence is currently insufficient to determine the role of this variant in disease. Therefore, it has been classified as a Variant of Uncertain Significance.